The following is an entry in ClinVar:

NM_006648.4(WNK2):c.4202C>T (p.Pro1401Leu)

Gene: WNK2 (WNK lysine deficient protein kinase 2; plus strand). Cytogenetic location: 9q22.31.
Variant type: single nucleotide variant.
Coding change: c.4202C>T on transcript NM_006648.4 (MANE Select); coding-DNA position 4202, C replaced by T.
Protein change: p.Pro1401Leu; replaces proline 1401 with leucine.
Molecular consequence: missense variant.
Genome position (GRCh38, 1-based): chr9:93,288,956, C>T. VCF-style: chr9-93288956-C-T. GRCh37 (hg19) VCF-style: chr9-96051238-C-T.
Other names: c.4313C>T, p.Pro1438Leu (NM_001282394.3); short protein forms P1438L, P1401L.
Identifiers: ClinVar variation 3817222 (VCV003817222.1).

ClinVar aggregate classification (germline): Uncertain significance (1 of 4 stars; one submission).

gnomAD v4.1: 5 of 1,605,042 alleles (0.00031%); highest among the groups gnomAD compares: Middle Eastern, 0.017%; no homozygotes.

Submission:

Ambry Genetics
Classification: Uncertain significance. Last evaluated: 2025-03-07. Review status: criteria provided, single submitter. Criteria: Ambry Variant Classification Scheme 2023. Collection method: clinical testing. Allele origin: germline.
Comment: The p.P1401L variant (also known as c.4202C>T), located in coding exon 19 of the WNK2 gene, results from a C to T substitution at nucleotide position 4202. The proline at codon 1401 is replaced by leucine, an amino acid with similar properties. This amino acid position is conserved. In addition, this alteration is predicted to be tolerated by in silico analysis. Based on the available evidence, the clinical significance of this variant remains unclear.